The following is an entry in ClinVar:

NC_000009.11:g.(?_137534034)_(137630674_?)dup

Gene: COL5A1 (collagen type V alpha 1 chain; plus strand). Cytogenetic location: 9q34.3.
Variant type: Duplication.
Identifiers: ClinVar variation 2422356 (VCV002422356.7).

ClinVar aggregate classification (germline): Pathogenic (1 of 4 stars; one submission).

Conditions:
Ehlers-Danlos syndrome, classic type, 1 (EDSCL1). Also called: EDS I; EHLERS-DANLOS SYNDROME, GRAVIS TYPE; EHLERS-DANLOS SYNDROME, SEVERE CLASSIC TYPE; Ehlers-Danlos syndrome, type 1; Ehlers-Danlos Syndrome, Classic Type, COL5A1-Related. Identifiers: MedGen C0268335, MONDO:0019567, OMIM 130000.

Submission:

Labcorp Genetics (formerly Invitae), Labcorp
Classification: Pathogenic for Ehlers-Danlos syndrome, classic type, 1. Last evaluated: 2024-01-22. Review status: criteria provided, single submitter. Criteria: Invitae Variant Classification Sherloc (09022015). Collection method: clinical testing. Allele origin: germline.
Comment: This variant results in a copy number gain of the genomic region encompassing exon(s) 1-11 of the COL5A1 gene. This region includes the initiator codon of the gene. This copy number gain extends beyond the assayed region for this gene and therefore may encompass additional genes. As the precise location of this event is unknown, it may be in tandem or it may be located elsewhere in the genome. A similar copy number variant has been observed in individual(s) with classic Ehlers-Danlos syndrome (PMID: 23587214; Invitae). It has also been observed to segregate with disease in related individuals. For these reasons, this variant has been classified as Pathogenic.

Literature cited by the submitters: PubMed 23587214.